The following is an entry in ClinVar:

NM_001384140.1(PCDH15):c.3413del (p.Asn1138fs)

Gene: PCDH15 (protocadherin related 15; minus strand). Cytogenetic location: 10q21.1.
Variant type: Deletion.
Coding change: c.3413del on transcript NM_001384140.1 (MANE Select); coding-DNA position 3413, one base deleted (A; older notation c.3413delA).
Protein change: p.Asn1138fs; shifts the reading frame from asparagine 1138.
Molecular consequence: frameshift variant.
Genome position (GRCh38, 1-based): chr10:53,903,331, T deleted on the plus strand (A on the coding strand, the reverse complement: PCDH15 is on the minus strand); the first of 4 consecutive T bases (chr10:53,903,331-53,903,334); deleting any one gives the same sequence. VCF-style (leftmost placement, unchanged base first): chr10-53903330-AT-A. GRCh37 (hg19) VCF-style: chr10-55663090-AT-A.
Other names: c.3428del, p.Asn1143fs (NM_001142763.2, NM_001142771.2); c.3413del, p.Asn1138fs (NM_001142764.2, NM_001142766.2, NM_001142770.3 and 4 more transcripts); c.3200del, p.Asn1067fs (NM_001142765.2); c.3302del, p.Asn1101fs (NM_001142767.2); c.3347del, p.Asn1116fs (NM_001142768.2, NM_001142773.2, NM_001354404.2); c.3446delA, p.Asn1150Ilefs (NM_001142769.4); c.3434del, p.Asn1145fs (NM_001354411.2); short protein forms N1067fs, N1101fs, N1116fs, N1138fs, N1143fs, N1145fs, N1150fs.
Identifiers: ClinVar variation 3601617 (VCV003601617.1).

ClinVar aggregate classification (germline): Likely pathogenic (1 of 4 stars; one submission).

Conditions:
Autosomal recessive nonsyndromic hearing loss 23. Identifiers: Orphanet 90636, MedGen C1836027, MONDO:0012293, OMIM 609533.

Submission:

Institute of Rare Diseases, West China Hospital, Sichuan University
Classification: Likely pathogenic for Autosomal recessive nonsyndromic hearing loss 23. Last evaluated: 2025-01-09. Review status: criteria provided, single submitter. Criteria: ClinGen HL ACMG Specifications v1. Collection method: research. Allele origin: germline. Affected: yes.
Comment: PVS1;PM2_Supporting